The following is an entry in ClinVar:

NM_001277115.2(DNAH11):c.1655G>T (p.Gly552Val)

Gene: DNAH11 (dynein axonemal heavy chain 11; plus strand). Cytogenetic location: 7p15.3.
Variant type: single nucleotide variant.
Coding change: c.1655G>T on transcript NM_001277115.2 (MANE Select); coding-DNA position 1655, G replaced by T.
Protein change: p.Gly552Val; replaces glycine 552 with valine.
Molecular consequence: missense variant.
Genome position (GRCh38, 1-based): chr7:21,581,966, G>T. VCF-style: chr7-21581966-G-T. GRCh37 (hg19) VCF-style: chr7-21621584-G-T.
Other names: short protein forms G552V.
Identifiers: ClinVar variation 798219 (VCV000798219.12), dbSNP rs187510989, ClinGen allele CA4179055.

ClinVar aggregate classification (germline): Conflicting classifications of pathogenicity. Review status: criteria provided, conflicting classifications (1 of 4 stars). 2 submissions from 2 submitters: Uncertain significance (1); Likely benign (1). Last evaluated 2025-11-03.

Conditions:
Primary ciliary dyskinesia. Also called: Ciliary dyskinesia. Identifiers: Orphanet 244, MedGen C0008780, MONDO:0016575, HP:0012265.

Allele frequency attached by ClinVar (database versions not stated): gnomAD exomes 0.00004 and 0.00017; gnomAD 0.00009 and 0.00011; ExAC 0.00017; TOPMed 0.00020; 1000 Genomes Project 0.00060; 1000 Genomes Project 30x 0.00078.
gnomAD v4.1: 76 of 1,613,270 alleles (0.0047%); highest among the groups gnomAD compares: East Asian, 0.16%; no homozygotes.

Submissions (2):

Labcorp Genetics (formerly Invitae), Labcorp
Classification: Likely benign for Primary ciliary dyskinesia. Last evaluated: 2025-11-03. Review status: criteria provided, single submitter. Criteria: Invitae Variant Classification Sherloc (09022015). Collection method: clinical testing. Allele origin: germline.

Ambry Genetics
Classification: Uncertain significance for Primary ciliary dyskinesia. Last evaluated: 2021-05-11. Review status: criteria provided, single submitter. Criteria: Ambry Variant Classification Scheme 2023. Collection method: clinical testing. Allele origin: germline.
Comment: The p.G552V variant (also known as c.1655G>T), located in coding exon 9 of the DNAH11 gene, results from a G to T substitution at nucleotide position 1655. The glycine at codon 552 is replaced by valine, an amino acid with dissimilar properties. This amino acid position is well conserved in available vertebrate species. In addition, this alteration is predicted to be tolerated by in silico analysis. Since supporting evidence is limited at this time, the clinical significance of this alteration remains unclear.